The following is an entry in ClinVar:

NM_002458.3(MUC5B):c.14584G>A (p.Gly4862Ser)

Gene: MUC5B (mucin 5B, oligomeric mucus/gel-forming; plus strand). Cytogenetic location: 11p15.5.
Variant type: single nucleotide variant.
Coding change: c.14584G>A on transcript NM_002458.3 (MANE Select); coding-DNA position 14584, G replaced by A.
Protein change: p.Gly4862Ser; replaces glycine 4862 with serine.
Molecular consequence: missense variant.
Genome position (GRCh38, 1-based): chr11:1,251,464, G>A. VCF-style: chr11-1251464-G-A. GRCh37 (hg19) VCF-style: chr11-1272694-G-A.
Other names: short protein forms G4862S.
Identifiers: ClinVar variation 403196 (VCV000403196.5), dbSNP rs191989562, ClinGen allele CA5808733.

ClinVar aggregate classification (germline): Likely benign. Review status: criteria provided, multiple submitters, no conflicts (2 of 4 stars). 2 submissions from 2 submitters: Likely benign (2). Last evaluated 2016-03-28.

Allele frequency attached by ClinVar (database versions not stated): gnomAD exomes 0.00014; gnomAD 0.00067 and 0.00073; ExAC 0.00182; 1000 Genomes Project 0.01478.

Submissions (2):

Laboratory for Molecular Medicine, Mass General Brigham Personalized Medicine
Classification: Likely benign. Last evaluated: 2016-03-28. Review status: criteria provided, single submitter. Criteria: LMM Criteria. Collection method: clinical testing. Allele origin: germline.
Comment: Variant identified in a genome or exome case(s) and assessed due to predicted null impact of the variant or pathogenic assertions in the literature or databases. Disclaimer: This variant has not undergone full assessment. The following are preliminary notes: Frequency

Breakthrough Genomics
Classification: Likely benign. Review status: criteria provided, single submitter. Criteria: ACMG Guidelines, 2015. Collection method: not provided. Allele origin: germline. Inheritance: Autosomal dominant inheritance. Affected: yes.